The following is an entry in ClinVar:

ClinVar aggregate classification (germline): Benign/Likely benign. Review status: criteria provided, multiple submitters, no conflicts (2 of 4 stars). 3 submissions from 3 submitters: Benign (1); Likely benign (1). 1 of the submissions does not count toward it. Last evaluated 2026-01-27.

Conditions:
NSD2-related disorder. Also called: NSD2 related disorders; NSD2-related condition.

Allele frequency attached by ClinVar (database versions not stated): gnomAD exomes 0.00023 and 0.00050; ExAC 0.00062; gnomAD 0.00159 and 0.00169; TOPMed 0.00167; ESP Exome Variant Server 0.00185; 1000 Genomes Project 0.00220; 1000 Genomes Project 30x 0.00234.
gnomAD v4.1: 586 of 1,613,966 alleles (0.036%); highest among the groups gnomAD compares: African/African-American, 0.57%; no homozygotes.

Submissions (3):

Labcorp Genetics (formerly Invitae), Labcorp
Classification: Benign. Last evaluated: 2026-01-27. Review status: criteria provided, single submitter. Criteria: Invitae Variant Classification Sherloc (09022015). Collection method: clinical testing. Allele origin: germline.

CeGaT Center for Human Genetics Tuebingen
Classification: Likely benign. Last evaluated: 2025-10-01. Review status: criteria provided, single submitter. Criteria: CeGaT Center For Human Genetics Tuebingen Variant Classification Criteria Version 2. Collection method: clinical testing. Allele origin: germline. Affected: yes. Observed: 1 variant allele.
Comment: NSD2: BP4, BP7

PreventionGenetics, part of Exact Sciences
Classification: Likely benign for NSD2-related condition. Last evaluated: 2019-11-12. Review status: no assertion criteria provided. Collection method: clinical testing. Allele origin: germline. Not counted in ClinVar's aggregate classification.
Comment: This variant is classified as likely benign based on ACMG/AMP sequence variant interpretation guidelines (Richards et al. 2015 PMID: 25741868, with internal and published modifications).

NM_001042424.3(NSD2):c.1248C>T (p.Pro416=)

Gene: NSD2 (nuclear receptor binding SET domain protein 2; plus strand). Cytogenetic location: 4p16.3.
Variant type: single nucleotide variant.
Coding change: c.1248C>T on transcript NM_001042424.3 (MANE Select); coding-DNA position 1248, C replaced by T.
Protein change: p.Pro416=; no amino-acid change (proline 416 retained).
Molecular consequence: synonymous variant.
Genome position (GRCh38, 1-based): chr4:1,918,461, C>T. VCF-style: chr4-1918461-C-T. GRCh37 (hg19) VCF-style: chr4-1920188-C-T.
Other names: c.1248C>T, p.Pro416= (NM_007331.2, NM_133330.3, NM_133331.3 and 2 more transcripts).
Identifiers: ClinVar variation 75396 (VCV000075396.17), dbSNP rs151126791, ClinGen allele CA2812045.